The following is an entry in ClinVar:

NM_001365999.1(SZT2):c.8603C>G (p.Thr2868Ser)

Gene: SZT2 (SZT2 subunit of KICSTOR complex; plus strand). Cytogenetic location: 1p34.2.
Variant type: single nucleotide variant.
Coding change: c.8603C>G on transcript NM_001365999.1 (MANE Select); coding-DNA position 8603, C replaced by G.
Protein change: p.Thr2868Ser; replaces threonine 2868 with serine.
Molecular consequence: missense variant.
Genome position (GRCh38, 1-based): chr1:43,443,455, C>G. VCF-style: chr1-43443455-C-G. GRCh37 (hg19) VCF-style: chr1-43909126-C-G.
Other names: c.8432C>G, p.Thr2811Ser (NM_015284.4); short protein forms T2811S, T2868S.
Identifiers: ClinVar variation 1044295 (VCV001044295.8), dbSNP rs756405450, ClinGen allele CA340039758.

ClinVar aggregate classification (germline): Uncertain significance (1 of 4 stars; one submission).

Submission:

Labcorp Genetics (formerly Invitae), Labcorp
Classification: Uncertain significance. Last evaluated: 2020-10-28. Review status: criteria provided, single submitter. Criteria: Invitae Variant Classification Sherloc (09022015). Collection method: clinical testing. Allele origin: germline.
Comment: This variant is not present in population databases (ExAC no frequency). This sequence change replaces threonine with serine at codon 2811 of the SZT2 protein (p.Thr2811Ser). The threonine residue is highly conserved and there is a small physicochemical difference between threonine and serine. This variant has not been reported in the literature in individuals with SZT2-related conditions. In summary, the available evidence is currently insufficient to determine the role of this variant in disease. Therefore, it has been classified as a Variant of Uncertain Significance. Algorithms developed to predict the effect of missense changes on protein structure and function (SIFT, PolyPhen-2, Align-GVGD) all suggest that this variant is likely to be tolerated, but these predictions have not been confirmed by published functional studies and their clinical significance is uncertain.